The following is an entry in ClinVar:

NM_001271938.2(MEGF8):c.7783C>T (p.Arg2595Trp)

Gene: MEGF8 (multiple EGF like domains 8; plus strand). Cytogenetic location: 19q13.2.
Variant type: single nucleotide variant.
Coding change: c.7783C>T on transcript NM_001271938.2 (MANE Select); coding-DNA position 7783, C replaced by T.
Protein change: p.Arg2595Trp; replaces arginine 2595 with tryptophan.
Molecular consequence: missense variant.
Genome position (GRCh38, 1-based): chr19:42,376,020, C>T. VCF-style: chr19-42376020-C-T. GRCh37 (hg19) VCF-style: chr19-42880172-C-T.
Other names: c.7582C>T, p.Arg2528Trp (NM_001410.3); short protein forms R2528W, R2595W.
Identifiers: ClinVar variation 1709224 (VCV001709224.2), dbSNP rs1249758482, ClinGen allele CA406141583.

ClinVar aggregate classification (germline): Uncertain significance (1 of 4 stars; one submission).

Conditions:
MEGF8-related Carpenter syndrome. Also called: Carpenter syndrome 2. Identifiers: Orphanet 65759, MedGen C3554247, MONDO:0013998, OMIM 614976.

Allele frequency attached by ClinVar (database versions not stated): gnomAD 0.00001; gnomAD exomes 0.00001; TOPMed 0.00001.
gnomAD v4.1: 11 of 1,604,958 alleles (0.00069%); highest among the groups gnomAD compares: South Asian, 0.0011%; no homozygotes.

Submission:

MGZ Medical Genetics Center
Classification: Uncertain significance for MEGF8-related Carpenter syndrome. Last evaluated: 2022-03-23. Review status: criteria provided, single submitter. Criteria: ACMG Guidelines, 2015. Collection method: clinical testing. Allele origin: germline. Affected: yes. Observed: 1 variant allele.
Comment: ACMG criteria applied: PM2_SUP, PP2, BP4